The following is an entry in ClinVar:

ClinVar aggregate classification (germline): Benign. Review status: criteria provided, single submitter (1 of 4 stars). 2 submissions from 2 submitters: Benign (1). 1 of the submissions does not count toward it. Last evaluated 2018-06-10.

Conditions:
PRKAA2-related disorder. Also called: PRKAA2-related condition.

Allele frequency attached by ClinVar (database versions not stated): gnomAD exomes 0.00036; ExAC 0.00039; 1000 Genomes Project 0.00120; 1000 Genomes Project 30x 0.00141; ESP Exome Variant Server 0.00177; gnomAD 0.00192 and 0.00204; TOPMed 0.00192.
gnomAD v4.1: 513 of 1,593,470 alleles (0.032%); highest among the groups gnomAD compares: African/African-American, 0.61%; 2 homozygotes.

Submissions (2):

Labcorp Genetics (formerly Invitae), Labcorp
Classification: Benign. Last evaluated: 2018-06-10. Review status: criteria provided, single submitter. Criteria: Invitae Variant Classification Sherloc (09022015). Collection method: clinical testing. Allele origin: germline.

PreventionGenetics, part of Exact Sciences
Classification: Likely benign for PRKAA2-related condition. Last evaluated: 2024-07-15. Review status: no assertion criteria provided. Collection method: clinical testing. Allele origin: germline. Not counted in ClinVar's aggregate classification.
Comment: This variant is classified as likely benign based on ACMG/AMP sequence variant interpretation guidelines (Richards et al. 2015 PMID: 25741868, with internal and published modifications).

NM_006252.4(PRKAA2):c.789-4C>T

Gene: PRKAA2 (protein kinase AMP-activated catalytic subunit alpha 2; plus strand). Cytogenetic location: 1p32.2.
Variant type: single nucleotide variant.
Coding change: c.789-4C>T on transcript NM_006252.4 (MANE Select); 4 bases into the intron before coding-DNA position 789, C replaced by T.
Molecular consequence: intron variant.
Genome position (GRCh38, 1-based): chr1:56,703,967, C>T. VCF-style: chr1-56703967-C-T. GRCh37 (hg19) VCF-style: chr1-57169640-C-T.
Identifiers: ClinVar variation 730280 (VCV000730280.5), dbSNP rs112086177, ClinGen allele CA873841.
Genomic context (GRCh38, chr1:56,703,967, plus strand): 5'-TGTCTAAATTATTTGGACTTGCCAAACCATGTCTTACAATAATGTATTGTGGTGTTTTTC[C>T]TAGAGAGCATGAATGGTTTAAACAAGATTTGCCCAGTTACTTATTTCCTGAAGACCCTTC-3'